The following is an entry in ClinVar:

ClinVar aggregate classification (germline): Benign/Likely benign. Review status: criteria provided, multiple submitters, no conflicts (2 of 4 stars). 4 submissions from 4 submitters: Benign (2); Likely benign (2). Last evaluated 2025-07-28.

Conditions:
TUBB4B-related disorder. Also called: TUBB4B-related condition.

Allele frequency attached by ClinVar (database versions not stated): gnomAD exomes 0.00038; ExAC 0.00048; 1000 Genomes Project 0.00120; 1000 Genomes Project 30x 0.00125; ESP Exome Variant Server 0.00146; gnomAD 0.00149 and 0.00160; TOPMed 0.00161.
gnomAD v4.1: 528 of 1,612,352 alleles (0.033%); highest among the groups gnomAD compares: African/African-American, 0.54%; 3 homozygotes.

Submissions (4):

Labcorp Genetics (formerly Invitae), Labcorp
Classification: Benign. Last evaluated: 2025-07-28. Review status: criteria provided, single submitter. Criteria: Invitae Variant Classification Sherloc (09022015). Collection method: clinical testing. Allele origin: germline.

PreventionGenetics, part of Exact Sciences
Classification: Likely benign for TUBB4B-related condition. Last evaluated: 2025-04-18. Review status: criteria provided, single submitter. Criteria: ACMG Guidelines, 2015. Collection method: clinical testing. Allele origin: germline.
Comment: This variant is classified as likely benign based on ACMG/AMP sequence variant interpretation guidelines (Richards et al. 2015 PMID: 25741868, with internal and published modifications).

Blueprint Genetics
Classification: Likely benign. Last evaluated: 2024-10-17. Review status: criteria provided, single submitter. Criteria: ACMG Guidelines, 2015. Collection method: clinical testing. Allele origin: germline.

Breakthrough Genomics
Classification: Benign. Review status: criteria provided, single submitter. Criteria: ACMG Guidelines, 2015. Collection method: not provided. Allele origin: germline. Inheritance: Autosomal dominant inheritance. Affected: yes.

NM_006088.6(TUBB4B):c.123C>T (p.Asp41=)

Gene: TUBB4B (tubulin beta 4B class IVb; plus strand). Cytogenetic location: 9q34.3.
Variant type: single nucleotide variant.
Coding change: c.123C>T on transcript NM_006088.6 (MANE Select); coding-DNA position 123, C replaced by T.
Protein change: p.Asp41=; no amino-acid change (aspartic acid 41 retained).
Molecular consequence: synonymous variant.
Genome position (GRCh38, 1-based): chr9:137,241,786, C>T. VCF-style: chr9-137241786-C-T. GRCh37 (hg19) VCF-style: chr9-140136238-C-T.
Other names: c.123C>T (NM_006088.5).
Identifiers: ClinVar variation 1613507 (VCV001613507.11), dbSNP rs149563065, ClinGen allele CA5365191.
Genomic context (GRCh38, chr9:137,241,786, plus strand): 5'-GGAGGTGATCAGCGATGAGCACGGCATCGACCCCACGGGCACCTACCACGGGGACAGCGA[C>T]CTGCAGCTGGAACGCATCAACGTGTACTACAATGAGGCCACCGGTGAGGCCCCGGCCCCT-3'
Protein context (NP_006079.1, residues 31-51): DPTGTYHGDS[Asp41=]LQLERINVYY